The following is an entry in ClinVar:

ClinVar aggregate classification (germline): Uncertain significance. Review status: criteria provided, multiple submitters, no conflicts (2 of 4 stars). 2 submissions from 2 submitters: Uncertain significance (2). Last evaluated 2024-11-03.

Allele frequency attached by ClinVar (database versions not stated): ExAC 0.00009; TOPMed 0.00019; gnomAD 0.00021; ESP Exome Variant Server 0.00023; 1000 Genomes Project 30x 0.00031; 1000 Genomes Project 0.00040.
gnomAD v4.1: 59 of 1,614,154 alleles (0.0037%); highest among the groups gnomAD compares: African/African-American, 0.073%; no homozygotes.

Submissions (2):

GeneDx
Classification: Uncertain significance. Last evaluated: 2024-11-03. Review status: criteria provided, single submitter. Criteria: GeneDx Variant Classification Process June 2021. Collection method: clinical testing. Allele origin: germline. Affected: yes.
Comment: In silico analysis indicates that this missense variant does not alter protein structure/function; Has not been previously published as pathogenic or benign to our knowledge

Labcorp Genetics (formerly Invitae), Labcorp
Classification: Uncertain significance. Last evaluated: 2024-09-06. Review status: criteria provided, single submitter. Criteria: Invitae Variant Classification Sherloc (09022015). Collection method: clinical testing. Allele origin: germline.
Comment: This sequence change replaces glutamic acid, which is acidic and polar, with lysine, which is basic and polar, at codon 909 of the LIG1 protein (p.Glu909Lys). This variant is present in population databases (rs144236881, gnomAD 0.09%). This variant has not been reported in the literature in individuals affected with LIG1-related conditions. ClinVar contains an entry for this variant (Variation ID: 2417290). An algorithm developed to predict the effect of missense changes on protein structure and function (PolyPhen-2) suggests that this variant¬†is likely to be tolerated. Algorithms developed to predict the effect of sequence changes on RNA splicing suggest that this variant may create or strengthen a splice site. In summary, the available evidence is currently insufficient to determine the role of this variant in disease. Therefore, it has been classified as a Variant of Uncertain Significance.

NM_000234.3(LIG1):c.2725G>A (p.Glu909Lys)

Gene: LIG1 (DNA ligase 1; minus strand). Cytogenetic location: 19q13.33.
Variant type: single nucleotide variant.
Coding change: c.2725G>A on transcript NM_000234.3 (MANE Select); coding-DNA position 2725, G replaced by A.
Protein change: p.Glu909Lys; replaces glutamic acid 909 with lysine.
Molecular consequence: missense variant. On other transcripts: non-coding transcript variant (6).
Genome position (GRCh38, 1-based): chr19:48,115,684, C>T on the plus strand (G>A on the coding strand, the complement: LIG1 is on the minus strand). VCF-style: chr19-48115684-C-T. GRCh37 (hg19) VCF-style: chr19-48618941-C-T.
Other names: c.2632G>A, p.Glu878Lys (NM_001289063.2); c.2521G>A, p.Glu841Lys (NM_001289064.2); c.2722G>A, p.Glu908Lys (NM_001320970.2); c.2635G>A, p.Glu879Lys (NM_001320971.2); short protein forms E841K, E878K, E879K, E908K, E909K.
Identifiers: ClinVar variation 2417290 (VCV002417290.6), dbSNP rs144236881, ClinGen allele CA9546281.